The following is an entry in ClinVar:

ClinVar aggregate classification (germline): Uncertain significance (1 of 4 stars; one submission).

Submission:

Labcorp Genetics (formerly Invitae), Labcorp
Classification: Uncertain significance. Last evaluated: 2023-06-09. Review status: criteria provided, single submitter. Criteria: Invitae Variant Classification Sherloc (09022015). Collection method: clinical testing. Allele origin: germline.
Comment: This variant is not present in population databases (gnomAD no frequency). This sequence change replaces leucine, which is neutral and non-polar, with phenylalanine, which is neutral and non-polar, at codon 104 of the ANKZF1 protein (p.Leu104Phe). In summary, the available evidence is currently insufficient to determine the role of this variant in disease. Therefore, it has been classified as a Variant of Uncertain Significance. An algorithm developed to predict the effect of missense changes on protein structure and function (PolyPhen-2) suggests that this variant is likely to be tolerated. This variant has not been reported in the literature in individuals affected with ANKZF1-related conditions.

NM_018089.3(ANKZF1):c.310C>T (p.Leu104Phe)

Gene: ANKZF1 (ankyrin repeat and zinc finger peptidyl tRNA hydrolase 1; plus strand). Cytogenetic location: 2q35.
Variant type: single nucleotide variant.
Coding change: c.310C>T on transcript NM_018089.3 (MANE Select); coding-DNA position 310, C replaced by T.
Protein change: p.Leu104Phe; replaces leucine 104 with phenylalanine.
Molecular consequence: missense variant. On other transcripts: intron variant (1).
Genome position (GRCh38, 1-based): chr2:219,232,308, C>T. VCF-style: chr2-219232308-C-T. GRCh37 (hg19) VCF-style: chr2-220097030-C-T.
Other names: c.310C>T, p.Leu104Phe (NM_001042410.2); c.-266-182C>T (NM_001282792.2); short protein forms L104F.
Identifiers: ClinVar variation 2704005 (VCV002704005.3), dbSNP rs2106458853, ClinGen allele CA350672867.